The following is an entry in ClinVar:

ClinVar aggregate classification (germline): Uncertain significance. Review status: criteria provided, single submitter (1 of 4 stars). 2 submissions from 2 submitters: Uncertain significance (1). 1 of the submissions does not count toward it. Last evaluated 2022-07-06.

Conditions:
Nemaline myopathy 2 (NEM2). Also called: Nemaline myopathy 2, autosomal recessive. Identifiers: MedGen C1850569, MONDO:0009725, OMIM 256030.

Allele frequency attached by ClinVar (database versions not stated): ExAC 0.00001; gnomAD exomes 0.00001 and 0.00002.
gnomAD v4.1: 30 of 1,550,982 alleles (0.0019%); highest among the groups gnomAD compares: Non-Finnish European, 0.0024%; no homozygotes.

Submissions (2):

Labcorp Genetics (formerly Invitae), Labcorp
Classification: Uncertain significance for Nemaline myopathy 2. Last evaluated: 2022-07-06. Review status: criteria provided, single submitter. Criteria: Invitae Variant Classification Sherloc (09022015). Collection method: clinical testing. Allele origin: germline.
Comment: This sequence change replaces glutamine, which is neutral and polar, with arginine, which is basic and polar, at codon 1923 of the NEB protein (p.Gln1923Arg). The frequency data for this variant in the population databases is considered unreliable, as metrics indicate poor data quality at this position in the gnomAD database. This variant has not been reported in the literature in individuals affected with NEB-related conditions. ClinVar contains an entry for this variant (Variation ID: 571309). Algorithms developed to predict the effect of missense changes on protein structure and function are either unavailable or do not agree on the potential impact of this missense change (SIFT: "Deleterious"; PolyPhen-2: "Not Available"; Align-GVGD: "Class C0"). In summary, the available evidence is currently insufficient to determine the role of this variant in disease. Therefore, it has been classified as a Variant of Uncertain Significance.

Natera, Inc.
Classification: Uncertain significance for Nemaline myopathy type 2. Last evaluated: 2019-11-11. Review status: no assertion criteria provided. Collection method: clinical testing. Allele origin: germline. Not counted in ClinVar's aggregate classification.

NM_001164508.2(NEB):c.5768A>G (p.Gln1923Arg)

Gene: NEB (nebulin; minus strand). Cytogenetic location: 2q23.3.
Variant type: single nucleotide variant.
Coding change: c.5768A>G on transcript NM_001164508.2 (MANE Select); coding-DNA position 5768, A replaced by G.
Protein change: p.Gln1923Arg; replaces glutamine 1923 with arginine.
Molecular consequence: missense variant.
Genome position (GRCh38, 1-based): chr2:151,662,337, T>C on the plus strand (A>G on the coding strand, the complement: NEB is on the minus strand). VCF-style: chr2-151662337-T-C. GRCh37 (hg19) VCF-style: chr2-152518851-T-C.
Other names: c.5768A>G, p.Gln1923Arg (NM_001164507.2, NM_001271208.2, NM_004543.5); short protein forms Q1923R.
Identifiers: ClinVar variation 571309 (VCV000571309.10), dbSNP rs755003638, ClinGen allele CA1910277.
Genomic context (GRCh38, chr2:151,662,337, plus strand): 5'-AGGGAGCCCAGAGGGAGCCATCCAATGCCCTTCATGAAGTCAGCATAGTCAGCCTTGTAC[T>C]GATTCTGCAAAAGAGGAAAAATTAAATTATGAGAAGAAACTGGAACTTCCCAAGAATCCT-3'
Protein context (NP_001157980.2, residues 1913-1933): KNMMQIQSDN[Gln1923Arg]YKADYADFMK